The following continues an entry in ClinVar:

NM_000492.4(CFTR):c.948del (p.Phe316fs)

Gene: CFTR. ClinVar aggregate classification (germline): Pathogenic. Pathogenic (1).

Submissions 12 to 19 of 19:

Women's Health and Genetics/Laboratory Corporation of America, LabCorp
Classification: Pathogenic for Cystic fibrosis. Last evaluated: 2020-07-24. Review status: criteria provided, single submitter. Criteria: LabCorp Variant Classification Summary - May 2015. Collection method: clinical testing. Allele origin: germline. Not counted in ClinVar's aggregate classification.
Comment: Variant summary: CFTR c.948delT (p.Phe316LeufsX12) results in a premature termination codon, predicted to cause a truncation of the encoded protein or absence of the protein due to nonsense mediated decay, which are commonly known mechanisms for disease. Truncations downstream of this position have been classified as pathogenic by our laboratory. The variant allele was found at a frequency of 2.4e-05 in 251272 control chromosomes (gnomAD). c.948delT has been reported in the literature, in the compound heterozygous or homozygous state, in multiple individuals affected with Cystic Fibrosis (e.g. Claustres_1992, McKone_2003, Claustres_2017, da Rosa_2018). These data indicate that the variant is very likely to be associated with disease. Seven ClinVar submitters including an expert panel (CFTR2) (evaluation after 2014) cite the variant as pathogenic. Based on the evidence outlined above, the variant was classified as pathogenic.

Myriad Genetics, Inc.
Classification: Pathogenic for Cystic fibrosis. Last evaluated: 2019-12-04. Review status: criteria provided, single submitter. Criteria: Myriad Women's Health Autosomal Recessive and X-Linked Classification Criteria (2019). Collection method: clinical testing. Allele origin: unknown. Not counted in ClinVar's aggregate classification.
Comment: NM_000492.3(CFTR):c.948delT(aka 1078delT) is classified as pathogenic in the context of cystic fibrosis and is associated with classic disease. Sources cited for classification include the following: PMID 9259197, 1284538, 18456578, 23974870, 22658665, 24440181 and 1379211. Classification of NM_000492.3(CFTR):c.948delT(aka 1078delT) is based on the following criteria: The variant causes a premature termination codon that is expected to be targeted by nonsense-mediated mRNA decay and is reported in individuals with the relevant phenotype. Please note: this variant was assessed in the context of healthy population screening.

Mendelics
Classification: Pathogenic for Cystic fibrosis. Last evaluated: 2018-11-05. Review status: criteria provided, single submitter. Criteria: Mendelics Assertion Criteria 2017. Collection method: clinical testing. Allele origin: unknown. Affected: yes. Not counted in ClinVar's aggregate classification.

CFTR-France
Classification: Pathogenic for cystic fibrosis. Last evaluated: 2018-01-29. Review status: criteria provided, single submitter. Criteria: Claustres M et al. (Hum Mutat 2017). Collection method: curation. Allele origin: germline. Affected: yes. Not counted in ClinVar's aggregate classification.

Eurofins Ntd Llc (ga)
Classification: Pathogenic. Last evaluated: 2012-11-30. Review status: criteria provided, single submitter. Criteria: EGL Classification Definitions. Collection method: clinical testing. Allele origin: germline. Observed: 1 variant allele, 1 heterozygote. Not counted in ClinVar's aggregate classification.

OMIM
Classification: Pathogenic for CYSTIC FIBROSIS. Last evaluated: 1993-12-01. Review status: no assertion criteria provided. Collection method: literature only. Allele origin: germline. Not counted in ClinVar's aggregate classification.

Clinical Genetics DNA and cytogenetics Diagnostics Lab, Erasmus MC, Erasmus Medical Center
Classification: Pathogenic. Review status: no assertion criteria provided. Collection method: clinical testing. Allele origin: germline. Affected: yes. Study: VKGL Data-share Consensus. Not counted in ClinVar's aggregate classification.

Diagnostic Laboratory, Department of Genetics, University Medical Center Groningen
Classification: Pathogenic. Review status: no assertion criteria provided. Collection method: clinical testing. Allele origin: germline. Affected: yes. Study: VKGL Data-share Consensus. Not counted in ClinVar's aggregate classification.

Literature cited by the submitters: PubMed 1695717 (cited by Labcorp Genetics (formerly Invitae), Labcorp); PubMed 7691345 (cited by Labcorp Genetics (formerly Invitae), Labcorp); PubMed 9725922 (cited by Labcorp Genetics (formerly Invitae), Labcorp); PubMed 1379211 (cited by 6 submitters); PubMed 22658665 (cited by 3 submitters); PubMed 27738188 (cited by 3 submitters); PubMed 23974870 (cited by 3 submitters); PubMed 17825628 (cited by Natera, Inc.); PubMed 24440181 (cited by Quest Diagnostics Nichols Institute San Juan Capistrano and Myriad Genetics, Inc.); PubMed 22975760 (cited by Quest Diagnostics Nichols Institute San Juan Capistrano); PubMed 11484207 (cited by Quest Diagnostics Nichols Institute San Juan Capistrano); PubMed 18456578 (cited by Quest Diagnostics Nichols Institute San Juan Capistrano and Myriad Genetics, Inc.); PubMed 29261177 (cited by Quest Diagnostics Nichols Institute San Juan Capistrano); PubMed 28603918 (cited by Quest Diagnostics Nichols Institute San Juan Capistrano and Women's Health and Genetics/Laboratory Corporation of America, LabCorp); PubMed 12767731 (cited by Women's Health and Genetics/Laboratory Corporation of America, LabCorp); PubMed 30726326 (cited by Women's Health and Genetics/Laboratory Corporation of America, LabCorp); PubMed 9259197 (cited by Myriad Genetics, Inc.); PubMed 1284538 (cited by Myriad Genetics, Inc.); PubMed 8262525 (cited by OMIM).